The following is an entry in ClinVar:

ClinVar aggregate classification (germline): Likely pathogenic (1 of 4 stars; one submission).

Conditions:
Acyl-CoA dehydrogenase 9 deficiency. Also called: Acyl-CoA dehydrogenase family, member 9, deficiency of; MITOCHONDRIAL COMPLEX I DEFICIENCY, NUCLEAR TYPE 20. Identifiers: Orphanet 99901, MedGen C4747517, MONDO:0012624, OMIM 611126.

Submission:

Natera, Inc.
Classification: Likely pathogenic for ACAD9 deficiency. Last evaluated: 2025-05-22. Review status: criteria provided, single submitter. Criteria: Natera Variant Classification Schema (03/2026). Collection method: clinical testing. Allele origin: germline.
Comment: The c.633+1G>A variant in ACAD9 is a canonical splice donor site variant predicted to affect pre-mRNA splicing, which may result in an abnormal transcript and altered protein product. This variant is expected to result in nonsense mediated decay, truncation, or a dysfunctional protein product. This variant is rare in the general population with a frequency below the threshold expected for the associated phenotype(s). Given the available evidence, this variant is classified as Likely Pathogenic.

NM_014049.5(ACAD9):c.633+1G>A

Gene: ACAD9 (acyl-CoA dehydrogenase family member 9; plus strand). Cytogenetic location: 3q21.3.
Variant type: single nucleotide variant.
Coding change: c.633+1G>A on transcript NM_014049.5 (MANE Select); the canonical splice donor site of the intron after coding-DNA position 633, G replaced by A.
Molecular consequence: splice donor variant.
Genome position (GRCh38, 1-based): chr3:128,897,711, G>A. VCF-style: chr3-128897711-G-A. GRCh37 (hg19) VCF-style: chr3-128616554-G-A.
Other names: c.264+1G>A (NM_001410805.1).
Identifiers: ClinVar variation 4815589 (VCV004815589.1).